The following is an entry in ClinVar:

NM_000260.4(MYO7A):c.5177C>T (p.Pro1726Leu)

Gene: MYO7A (myosin VIIA; plus strand). Cytogenetic location: 11q13.5.
Variant type: single nucleotide variant.
Coding change: c.5177C>T on transcript NM_000260.4 (MANE Select); coding-DNA position 5177, C replaced by T.
Protein change: p.Pro1726Leu; replaces proline 1726 with leucine.
Molecular consequence: missense variant.
Genome position (GRCh38, 1-based): chr11:77,203,068, C>T. VCF-style: chr11-77203068-C-T. GRCh37 (hg19) VCF-style: chr11-76914113-C-T.
Other names: c.5063C>T, p.Pro1688Leu (NM_001127180.2); c.5030C>T, p.Pro1677Leu (NM_001369365.1); short protein forms P1726L, P1688L, P1677L.
Identifiers: ClinVar variation 555588 (VCV000555588.43), dbSNP rs1478464275, ClinGen allele CA381951992.
Genomic context (GRCh38, chr11:77,203,068, plus strand): 5'-CCCCGGGGCTGCCAGCGATGGGGCGTTGCTGACGGTCCCTGTGCTGCGGCAGGCCCCCAC[C>T]CAAGCACACGCTGAGCCGTGTCATGGTGTCCAAGGCCCGAGGCAAGGACCGGCTGTGGAG-3'
Protein context (NP_000251.3, residues 1716-1736): EFSYDYFRPP[Pro1726Leu]KHTLSRVMVS

ClinVar aggregate classification (germline): Conflicting classifications of pathogenicity. Review status: criteria provided, conflicting classifications (1 of 4 stars). 6 submissions from 6 submitters: Likely pathogenic (2); Uncertain significance (3). 1 of the submissions does not count toward it. Last evaluated 2024-04-05.

Conditions:
Autosomal dominant nonsyndromic hearing loss 11. Identifiers: Orphanet 90635, MedGen C1832475, MONDO:0011032, OMIM 601317.
Usher syndrome type 1 (USH1). Also called: RETINITIS PIGMENTOSA AND CONGENITAL DEAFNESS. Identifiers: Orphanet 231169, Orphanet 886, MedGen C1568247, MONDO:0010168, OMIM 276900.
Autosomal recessive nonsyndromic hearing loss 2. Also called: DEAFNESS, AUTOSOMAL RECESSIVE 2; NEUROSENSORY NONSYNDROMIC RECESSIVE DEAFNESS 2. Identifiers: Orphanet 90636, MedGen C1838701, MONDO:0010807, OMIM 600060.

Allele frequency attached by ClinVar (database versions not stated): gnomAD exomes below 0.00001 and 0.00001.
gnomAD v4.1: 5 of 1,548,008 alleles (0.00032%); highest among the groups gnomAD compares: South Asian, 0.0048%; no homozygotes.

Submissions (6):

Fulgent Genetics
Classification: Likely pathogenic for Usher syndrome type 1; Autosomal recessive nonsyndromic hearing loss 2; Autosomal dominant nonsyndromic hearing loss 11. Last evaluated: 2024-04-05. Review status: criteria provided, single submitter. Criteria: ACMG Guidelines, 2015. Collection method: clinical testing. Allele origin: germline.

GeneDx
Classification: Uncertain significance. Last evaluated: 2022-12-20. Review status: criteria provided, single submitter. Criteria: GeneDx Variant Classification Process June 2021. Collection method: clinical testing. Allele origin: germline. Affected: yes.
Comment: In silico analysis supports that this missense variant has a deleterious effect on protein structure/function; This variant is associated with the following publications: (PMID: 23770805)

CeGaT Center for Human Genetics Tuebingen
Classification: Likely pathogenic. Last evaluated: 2021-03-01. Review status: criteria provided, single submitter. Criteria: CeGaT Center For Human Genetics Tuebingen Variant Classification Criteria Version 2. Collection method: clinical testing. Allele origin: germline. Affected: yes. Observed: 1 variant allele.

Blueprint Genetics
Classification: Uncertain significance. Last evaluated: 2020-02-19. Review status: criteria provided, single submitter. Criteria: ACMG Guidelines, 2015. Collection method: clinical testing. Allele origin: germline.

Revvity Omics, Revvity
Classification: Uncertain significance. Last evaluated: 2019-01-15. Review status: criteria provided, single submitter. Criteria: ACMG Guidelines, 2015. Collection method: clinical testing. Allele origin: germline.

Counsyl
Classification: Uncertain significance for Usher syndrome type 1; Autosomal recessive nonsyndromic hearing loss 2. Last evaluated: 2017-12-15. Review status: no assertion criteria provided. Collection method: clinical testing. Allele origin: unknown. Not counted in ClinVar's aggregate classification.

Literature cited by the submitters: PubMed 23770805 (cited by Counsyl).